The following is an entry in ClinVar:

ClinVar aggregate classification (germline): Uncertain significance (1 of 4 stars; one submission).

Conditions:
Arginine:glycine amidinotransferase deficiency (CCDS3). Also called: L-Arginine:Glycine Amidinotransferase (AGAT) Deficiency; Cerebral creatine deficiency syndrome 3; L-Arginine:Glycine Amidinotransferase Deficiency; Creatine deficiency syndrome due to AGAT deficiency; GATM deficiency; AGAT deficiency. Identifiers: Orphanet 35704, MedGen C2675179, MONDO:0012996, OMIM 612718.

Submission:

Labcorp Genetics (formerly Invitae), Labcorp
Classification: Uncertain significance for Arginine:glycine amidinotransferase deficiency. Last evaluated: 2019-07-25. Review status: criteria provided, single submitter. Criteria: Invitae Variant Classification Sherloc (09022015). Collection method: clinical testing. Allele origin: germline.
Comment: This variant results in a copy number gain of the genomic region encompassing the full coding sequence of the GATM gene. The boundaries of this event are unknown as they extend beyond the assayed region for this gene and therefore may encompass additional genes. As the precise location of this event is unknown, it may be in tandem or it may be located elsewhere in the genome. This variant has not been reported in the literature in individuals with GATM-related disease. In summary, the available evidence is currently insufficient to determine the role of this variant in disease. Therefore, it has been classified as a Variant of Uncertain Significance.

NC_000015.9:g.(?_45152372)_(45670671_?)dup

Genes: SLC28A2 (solute carrier family 28 member 2; plus strand), SLC28A2-AS1 (SLC28A2 antisense RNA 1; minus strand), SHF (Src homology 2 domain containing F; minus strand), SORD (sorbitol dehydrogenase; plus strand), TERB2 (telomere repeat binding bouquet formation protein 2; plus strand) and 23 more. Cytogenetic location: 15q21.1.
Variant type: Duplication.
Identifiers: ClinVar variation 584325 (VCV000584325.2).